The following is an entry in ClinVar:

NM_000545.8(HNF1A):c.1108-1G>A

Gene: HNF1A (HNF1 homeobox A; plus strand). Cytogenetic location: 12q24.31.
Variant type: single nucleotide variant.
Coding change: c.1108-1G>A on transcript NM_000545.8 (MANE Select); the canonical splice acceptor site of the intron before coding-DNA position 1108, G replaced by A.
Molecular consequence: splice acceptor variant.
Genome position (GRCh38, 1-based): chr12:120,996,540, G>A. VCF-style: chr12-120996540-G-A. GRCh37 (hg19) VCF-style: chr12-121434343-G-A.
Other names: c.1108-1G>A (NM_001306179.2, NM_001406915.1).
Identifiers: ClinVar variation 3348953 (VCV003348953.2).
Genomic context (GRCh38, chr12:120,996,540, plus strand): 5'-TCCCTAGGGAGGCCCTGTGGGGACCCCGGCCCCCCGGACACAGCTTGGCTTCCCCTCGTA[G>A]GTCTCAGCAGCTGGGGGCCCCCTCCCCCCTGTCAGCACCCTGACAGCACTGCACAGCTTG-3'

ClinVar aggregate classification (germline): Pathogenic. Review status: criteria provided, single submitter (1 of 4 stars). 2 submissions from 2 submitters: Pathogenic (1). 1 of the submissions does not count toward it. Last evaluated 2023-03-06.

Conditions:
HNF1A-related disorders.
HNF1A-related disorder. Also called: HNF1A-related condition.

Submissions (2):

Blueprint Genetics
Classification: Pathogenic for HNF1A-related disorders. Last evaluated: 2023-03-06. Review status: criteria provided, single submitter. Criteria: ACMG Guidelines, 2015. Collection method: clinical testing. Allele origin: germline. Affected: yes. Observed: 1 variant allele.

PreventionGenetics, part of Exact Sciences
Classification: Likely pathogenic for HNF1A-related condition. Last evaluated: 2024-03-23. Review status: no assertion criteria provided. Collection method: clinical testing. Allele origin: germline. Not counted in ClinVar's aggregate classification.
Comment: The HNF1A c.1108-1G>A variant is predicted to disrupt the AG splice acceptor site and interfere with normal splicing. To our knowledge, this variant has not been reported in the literature or in a large population database, indicating this variant is rare. Variants that disrupt the consensus splice acceptor site in HNF1A are expected to be pathogenic. This variant is interpreted as likely pathogenic.